The following is an entry in ClinVar:

ClinVar aggregate classification (germline): Pathogenic (0 of 4 stars; one submission).

Submission:

Quest Diagnostics Nichols Institute San Juan Capistrano
Classification: Pathogenic. Last evaluated: 2021-01-20. Review status: no assertion criteria provided. Collection method: clinical testing. Allele origin: germline.
Comment: The copy number loss of 19p13.3 involves several coding genes and is expected to cause phenotypic and/or developmental abnormalities. It includes multiple genes associated with autosomal dominant disorders: TBXA2R (OMIM 188070), RAX2 (OMIM 610362), EEF2 (OMIM 130610), MAP2K2 (OMIM 601263), SEMA6B (OMIM 608873), and TICAM1 (OMIM 607601). This deletion interval overlaps the region of 19p13.3 microdeletion syndrome, which is characterized by intellectual disability, developmental delay, structural heart defects, macrocephaly, hypotonia, and facial dysmorphic features. A critical region of approximately 113 kb has been proposed that harbors MAP2K2, ZBTB7A and PIAS4, all of which are encompassed in the current deletion interval (Nevado et al., Eur J Human Genet 2015;23:1615-1626, PMID: 25853300; Risheg et al., Am J Med Genet A 2013;161A(5):1110-6, PMID: 23610052; Tenorio et al., Clin Genet 2020;97(3):467-476, PMID: 31972898).

GRCh37/hg19 19p13.3(chr19:3501624-5357124)x1

Genes: ANKRD24 (ankyrin repeat domain 24; plus strand), APBA3 (amyloid beta precursor protein binding family A member 3; minus strand), ARRDC5 (arrestin domain containing 5; minus strand), ATCAY (ATCAY kinesin light chain interacting caytaxin; plus strand), CACTIN (cactin, spliceosome C complex subunit; minus strand) and 43 more. Cytogenetic location: 19p13.3.
Variant type: copy number loss.
Change: copy number 1 (one copy instead of two) of chr19:3,501,624-5,357,124 (1.86 Mb, GRCh37 coordinates, 1-based), cytogenetic band 19p13.3.
Identifiers: ClinVar variation 1340547 (VCV001340547.1).